The following is an entry in ClinVar:

NM_001040142.2(SCN2A):c.5529T>A (p.Asp1843Glu)

Gene: SCN2A (sodium voltage-gated channel alpha subunit 2; plus strand). Cytogenetic location: 2q24.3.
Variant type: single nucleotide variant.
Coding change: c.5529T>A on transcript NM_001040142.2 (MANE Select); coding-DNA position 5529, T replaced by A.
Protein change: p.Asp1843Glu; replaces aspartic acid 1843 with glutamic acid.
Molecular consequence: missense variant.
Genome position (GRCh38, 1-based): chr2:165,389,335, T>A. VCF-style: chr2-165389335-T-A. GRCh37 (hg19) VCF-style: chr2-166245845-T-A.
Other names: c.5529T>A, p.Asp1843Glu (NM_001040143.2, NM_001371246.1, NM_001371247.1 and 1 more transcripts); short protein forms D1843E.
Identifiers: ClinVar variation 2499201 (VCV002499201.1), dbSNP rs2105403324, ClinGen allele CA349039258.

ClinVar aggregate classification (germline): Uncertain significance (1 of 4 stars; one submission).

Submission:

GeneDx
Classification: Uncertain significance. Last evaluated: 2022-10-10. Review status: criteria provided, single submitter. Criteria: GeneDx Variant Classification Process June 2021. Collection method: clinical testing. Allele origin: germline. Affected: yes.
Comment: Not observed at significant frequency in large population cohorts (gnomAD); Missense variants in this gene are often considered pathogenic (HGMD); In silico analysis supports that this missense variant has a deleterious effect on protein structure/function; Has not been previously published as pathogenic or benign to our knowledge; This substitution is predicted to be within the C-terminal cytoplasmic domain